The following is an entry in ClinVar:

NM_017763.6(RNF43):c.253-8C>T

Gene: RNF43 (ring finger protein 43; minus strand). Cytogenetic location: 17q22.
Variant type: single nucleotide variant.
Coding change: c.253-8C>T on transcript NM_017763.6 (MANE Select); 8 bases into the intron before coding-DNA position 253, C replaced by T.
Molecular consequence: intron variant.
Genome position (GRCh38, 1-based): chr17:58,371,041, G>A on the plus strand (C>T on the coding strand, the complement: RNF43 is on the minus strand). VCF-style: chr17-58371041-G-A. GRCh37 (hg19) VCF-style: chr17-56448402-G-A.
Other names: c.253-8C>T (NM_001438822.1, NM_001305544.3, NM_001438820.1 and 1 more transcripts); c.-129-8C>T (NM_001305545.2, NM_001437987.1).
Identifiers: ClinVar variation 4875805 (VCV004875805.1).

ClinVar aggregate classification (germline): Likely benign (1 of 4 stars; one submission).

Conditions:
Sessile serrated polyposis cancer syndrome (SSPCS). Identifiers: Orphanet 157798, MedGen C4310714, MONDO:0014919, OMIM 617108.

Submission:

Myriad Genetics, Inc.
Classification: Likely benign for Sessile serrated polyposis cancer syndrome. Last evaluated: 2026-06-26. Review status: criteria provided, single submitter. Criteria: Myriad Autosomal Dominant, Autosomal Recessive and X-Linked Classification Criteria (2023). Collection method: clinical testing. Allele origin: unknown.
Comment: This variant is considered likely benign. This variant is intronic and is not expected to impact mRNA splicing.